The following is an entry in ClinVar:

ClinVar aggregate classification (germline): Likely benign (1 of 4 stars; one submission).

Submission:

GeneDx
Classification: Likely benign. Last evaluated: 2017-05-26. Review status: criteria provided, single submitter. Criteria: GeneDx Variant Classification (06012015). Collection method: clinical testing. Allele origin: germline. Affected: yes.
Comment: This variant is considered likely benign or benign based on one or more of the following criteria: it is a conservative change, it occurs at a poorly conserved position in the protein, it is predicted to be benign by multiple in silico algorithms, and/or has population frequency not consistent with disease.

NM_001040142.2(SCN2A):c.1599A>G (p.Arg533=)

Gene: SCN2A (sodium voltage-gated channel alpha subunit 2; plus strand). Cytogenetic location: 2q24.3.
Variant type: single nucleotide variant.
Coding change: c.1599A>G on transcript NM_001040142.2 (MANE Select); coding-DNA position 1599, A replaced by G.
Protein change: p.Arg533=; no amino-acid change (arginine 533 retained).
Molecular consequence: synonymous variant.
Genome position (GRCh38, 1-based): chr2:165,315,686, A>G. VCF-style: chr2-165315686-A-G. GRCh37 (hg19) VCF-style: chr2-166172196-A-G.
Other names: c.1599A>G, p.Arg533= (NM_001040143.2, NM_001371246.1, NM_001371247.1 and 1 more transcripts).
Identifiers: ClinVar variation 509796 (VCV000509796.1), dbSNP rs1553569785, ClinGen allele CA429971742.